The following is an entry in ClinVar:

ClinVar aggregate classification (germline): Uncertain significance. Review status: criteria provided, multiple submitters, no conflicts (2 of 4 stars). 2 submissions from 2 submitters: Uncertain significance (2). Last evaluated 2024-01-16.

Conditions:
Progressive sclerosing poliodystrophy (MTDPS4A). Also called: ALPERS DIFFUSE DEGENERATION OF CEREBRAL GRAY MATTER WITH HEPATIC CIRRHOSIS; Alpers-Huttenlocher Syndrome; ALPERS PROGRESSIVE INFANTILE POLIODYSTROPHY; NEURONAL DEGENERATION OF CHILDHOOD WITH LIVER DISEASE, PROGRESSIVE; Mitochondrial DNA Depletion Syndrome 4A; Alpers-Huttenlocher Syndrome (AHS). Identifiers: Orphanet 726, MedGen C0205710, MONDO:0008758, OMIM 203700.

Submissions (2):

Labcorp Genetics (formerly Invitae), Labcorp
Classification: Uncertain significance for Progressive sclerosing poliodystrophy. Last evaluated: 2024-01-16. Review status: criteria provided, single submitter. Criteria: Invitae Variant Classification Sherloc (09022015). Collection method: clinical testing. Allele origin: germline.
Comment: This sequence change replaces lysine, which is basic and polar, with serine, which is neutral and polar, at codon 461 of the POLG protein (p.Lys461Ser). This variant is present in population databases (rs796052920, gnomAD 0.0007%). This variant has not been reported in the literature in individuals affected with POLG-related conditions. ClinVar contains an entry for this variant (Variation ID: 206633). An algorithm developed to predict the effect of missense changes on protein structure and function (PolyPhen-2) suggests that this variant is likely to be tolerated. In summary, the available evidence is currently insufficient to determine the role of this variant in disease. Therefore, it has been classified as a Variant of Uncertain Significance.

GeneDx
Classification: Uncertain significance. Last evaluated: 2014-11-12. Review status: criteria provided, single submitter. Criteria: GeneDx Variant Classification (06012015). Collection method: clinical testing. Allele origin: germline. Affected: yes.
Comment: c.1381_1382delinsTC: p.Lys461Ser in exon 7 in the POLG gene (NM_002693.2). The c.1381_1382delinsTC variant in the POLG gene has not been reported previously as a disease-causing mutation nor as a benign polymorphism, to our knowledge. The c.1381_1382delinsTC variant causes a missense substitution of a Lysine residue for a Serine residue at position 461 of the reading frame, denoted p.Lys461Ser. This variant represents a semi-conservative amino acid substitution, which may impact secondary protein structure as these residues differ in some properties. This substitution occurs at a position that is well-conserved across species, and in silico analysis predicts this variant is probably damaging to the protein structure/function. The c.1381_1382delinsTC variant was not observed in approximately 6,500 individuals of European and African American ancestry in the NHLBI Exome Sequencing Project, indicating it is not a common benign variant in these populations. In addition, missense mutations in nearby residues (L463F; M464T; A467T; N468D) have been reported in association with POLG-related disorders, supporting the functional importance of this region of the protein. We interpret c.1381_1382delinsTC as a variant of unknown significance. The variant is found in POLG panel(s).

NM_002693.3(POLG):c.1381_1382delinsTC (p.Lys461Ser)

Gene: POLG (DNA polymerase gamma, catalytic subunit; minus strand). Cytogenetic location: 15q26.1.
Variant type: Indel.
Coding change: c.1381_1382delinsTC on transcript NM_002693.3 (MANE Select); coding-DNA positions 1381 to 1382, AA replaced by TC.
Protein change: p.Lys461Ser; replaces lysine 461 with serine.
Molecular consequence: missense variant.
Genome position (GRCh38, 1-based): chr15:89,327,218-89,327,219, TT replaced by GA on the plus strand (AA replaced by TC on the coding strand, the reverse complement: POLG is on the minus strand). VCF-style: chr15-89327218-TT-GA. GRCh37 (hg19) VCF-style: chr15-89870449-TT-GA.
Other names: p.K461S:AAG>TCG; c.1381_1382delinsTC, p.Lys461Ser (NM_001126131.2); short protein forms K461S.
Identifiers: ClinVar variation 206633 (VCV000206633.5), dbSNP rs796052920, ClinGen allele CA316902.
Genomic context (GRCh38, chr15:89,327,218, plus strand): 5'-CCTGGCTACCTCTCTCCTGAGAGCAGCTGGCAGGCATCATTGGCCAGATCCATCAACGAC[TT>GA]CTTCATCTCCCGCTGGAGCTCCTCATAAGTGCCCTGTGCCTCTGCCAGGTAACGCTCCCA-3'
Protein context (NP_002684.1, residues 451-471): TYEELQREMK[Lys461Ser]SLMDLANDAC